The following is an entry in ClinVar:

NM_182643.3(DLC1):c.2810T>C (p.Leu937Pro)

Gene: DLC1 (DLC1 Rho GTPase activating protein; minus strand). Cytogenetic location: 8p22.
Variant type: single nucleotide variant.
Coding change: c.2810T>C on transcript NM_182643.3 (MANE Select); coding-DNA position 2810, T replaced by C.
Protein change: p.Leu937Pro; replaces leucine 937 with proline.
Molecular consequence: missense variant.
Genome position (GRCh38, 1-based): chr8:13,099,527, A>G on the plus strand (T>C on the coding strand, the complement: DLC1 is on the minus strand). VCF-style: chr8-13099527-A-G. GRCh37 (hg19) VCF-style: chr8-12957036-A-G.
Other names: c.1277T>C, p.Leu426Pro (NM_001164271.2, NM_001348082.2, NM_001348083.1 and 6 more transcripts); c.1601T>C, p.Leu534Pro (NM_001316668.2, NM_001413129.1); c.2810T>C, p.Leu937Pro (NM_001348081.2, NM_001413124.1); c.1592T>C, p.Leu531Pro (NM_001413130.1); c.1250T>C, p.Leu417Pro (NM_001413131.1, NM_001413137.1); c.1736T>C, p.Leu579Pro (NM_001413132.1); c.1499T>C, p.Leu500Pro (NM_001413135.1, NM_001413136.1, NM_001413139.1 and 1 more transcripts); c.1634T>C, p.Leu545Pro (NM_001413140.1); and 1 more; short protein forms L426P, L500P, L531P, L545P, L937P, L417P, L579P, L534P.
Identifiers: ClinVar variation 2866292 (VCV002866292.6), dbSNP rs759706273, ClinGen allele CA4638540.
Genomic context (GRCh38, chr8:13,099,527, plus strand): 5'-TCGTTGTCCACATCCAGGTGTATCTGTTTTGGAGAGGACGGGCAGGGAGAGACCGAGTCC[A>G]GGGCTGAGTCCGAATCTCCCTCATCAGAAAACTTCTCCGACCACTGATTGACTATCCGCT-3'
Protein context (NP_872584.2, residues 927-947): FSDEGDSDSA[Leu937Pro]DSVSPCPSSP

ClinVar aggregate classification (germline): Uncertain significance. Review status: criteria provided, multiple submitters, no conflicts (2 of 4 stars). 4 submissions from 4 submitters: Uncertain significance (4). Last evaluated 2024-05-21.

Conditions:
Colorectal cancer. Also called: Colorectal cancer, somatic; Malignant Colorectal Neoplasm. Identifiers: MedGen C0346629, MONDO:0005575, OMIM 114500.

Allele frequency attached by ClinVar (database versions not stated): gnomAD exomes 0.00001; gnomAD 0.00002; TOPMed 0.00004; ExAC 0.00005.
gnomAD v4.1: 18 of 1,614,086 alleles (0.0011%); highest among the groups gnomAD compares: East Asian, 0.029%; no homozygotes.

Submissions (4):

Fulgent Genetics
Classification: Uncertain significance for Colorectal cancer. Last evaluated: 2024-05-21. Review status: criteria provided, single submitter. Criteria: ACMG Guidelines, 2015. Collection method: clinical testing. Allele origin: germline.

Blueprint Genetics
Classification: Uncertain significance. Last evaluated: 2024-02-28. Review status: criteria provided, single submitter. Criteria: ACMG Guidelines, 2015. Collection method: clinical testing. Allele origin: germline.

Ambry Genetics
Classification: Uncertain significance. Last evaluated: 2023-12-20. Review status: criteria provided, single submitter. Criteria: Ambry Variant Classification Scheme 2023. Collection method: clinical testing. Allele origin: germline.

Labcorp Genetics (formerly Invitae), Labcorp
Classification: Uncertain significance. Last evaluated: 2022-11-08. Review status: criteria provided, single submitter. Criteria: Invitae Variant Classification Sherloc (09022015). Collection method: clinical testing. Allele origin: germline.
Comment: This sequence change replaces leucine, which is neutral and non-polar, with proline, which is neutral and non-polar, at codon 937 of the DLC1 protein (p.Leu937Pro). In summary, the available evidence is currently insufficient to determine the role of this variant in disease. Therefore, it has been classified as a Variant of Uncertain Significance. Algorithms developed to predict the effect of missense changes on protein structure and function (SIFT, PolyPhen-2, Align-GVGD) all suggest that this variant is likely to be disruptive. This variant has not been reported in the literature in individuals affected with DLC1-related conditions. This variant is present in population databases (rs759706273, gnomAD 0.08%), and has an allele count higher than expected for a pathogenic variant.